The following is an entry in ClinVar:

NM_000211.5(ITGB2):c.897+1G>A

Gene: ITGB2 (integrin subunit beta 2; minus strand). Cytogenetic location: 21q22.3.
Variant type: single nucleotide variant.
Coding change: c.897+1G>A on transcript NM_000211.5 (MANE Select); the canonical splice donor site of the intron after coding-DNA position 897, G replaced by A.
Molecular consequence: splice donor variant.
Genome position (GRCh38, 1-based): chr21:44,900,319, C>T on the plus strand (G>A on the coding strand, the complement: ITGB2 is on the minus strand). VCF-style: chr21-44900319-C-T. GRCh37 (hg19) VCF-style: chr21-46320234-C-T.
Other names: IVS7+1G>A; IVSDS, G-A, +1; c.897+1G>A (NM_001127491.3); c.690+1G>A (NM_001303238.2).
Identifiers: ClinVar variation 100763 (VCV000100763.16), dbSNP rs201752283, ClinGen allele CA249783.
Genomic context (GRCh38, chr21:44,900,319, plus strand): 5'-TGTCTCCTCCGTCAGTGGTGTCCTGCCAGGCGGTGCCTGGGTGCCTGGGGTGGGGACTTA[C>T]GAATTCGTTGCTCCTCTTGTACAAGTTGTCCTCCAGGTGACAGCGGCCGTCGTTGGGGGT-3'

ClinVar aggregate classification (germline): Pathogenic/Likely pathogenic. Review status: criteria provided, multiple submitters, no conflicts (2 of 4 stars). 4 submissions from 4 submitters: Pathogenic (1); Likely pathogenic (1). 2 of the submissions do not count toward it. Last evaluated 2024-06-19.

Conditions:
Leukocyte adhesion deficiency 1 (LAD1). Also called: LEUKOCYTE ADHESION DEFICIENCY, TYPE I; LAD 1; Lymphocyte function-associated antigen 1 immunodeficiency; LFA 1 immunodeficiency. Identifiers: Orphanet 2968, Orphanet 99842, MedGen C0398738, MONDO:0007293, OMIM 116920.

Allele frequency attached by ClinVar (database versions not stated): 1000 Genomes Project 30x 0.00016; 1000 Genomes Project 0.00020; gnomAD exomes 0.00001 and 0.00002; ExAC 0.00002; gnomAD 0.00004; TOPMed 0.00007.
gnomAD v4.1: 29 of 1,614,186 alleles (0.0018%); highest among the groups gnomAD compares: East Asian, 0.013%; no homozygotes.

Submissions (6):

Labcorp Genetics (formerly Invitae), Labcorp
Classification: Pathogenic for Leukocyte adhesion deficiency 1. Last evaluated: 2024-06-19. Review status: criteria provided, single submitter. Criteria: Invitae Variant Classification Sherloc (09022015). Collection method: clinical testing. Allele origin: germline.
Comment: This sequence change affects a donor splice site in intron 7 of the ITGB2 gene. RNA analysis indicates that disruption of this splice site induces altered splicing and may result in an absent or disrupted protein product. This variant is present in population databases (rs201752283, gnomAD 0.03%). Disruption of this splice site has been observed in individual(s) with leukocyte adhesion deficiency type 1 (PMID: 1590804, 25703682, 26639818, 30919141). In at least one individual the data is consistent with being in trans (on the opposite chromosome) from a pathogenic variant. This variant is also known as IVS7+1G>A. ClinVar contains an entry for this variant (Variation ID: 100763). Studies have shown that disruption of this splice site results in activation of cryptic splice sites and introduces a premature termination codon (PMID: 1590804). The resulting mRNA is expected to undergo nonsense-mediated decay. For these reasons, this variant has been classified as Pathogenic.

Laboratorio de Genetica e Diagnostico Molecular, Hospital Israelita Albert Einstein
Classification: Likely pathogenic for Leukocyte adhesion deficiency 1. Last evaluated: 2022-08-28. Review status: criteria provided, single submitter. Criteria: ACMG Guidelines, 2015. Collection method: clinical testing. Allele origin: germline. Affected: yes. Observed: 1 variant allele.
Comment: ACMG classification criteria: PVS1 strong, PS4 supporting, PM2 supporting

OMIM
Classification: Pathogenic for LEUKOCYTE ADHESION DEFICIENCY 1. Last evaluated: 1992-05-15. Review status: no assertion criteria provided. Collection method: literature only. Allele origin: germline. Not counted in ClinVar's aggregate classification.

Dr. Peter K. Rogan Lab, Western University
No classification provided (evidence only). Condition: Lung cancer. Review status: no classification provided. Collection method: in vitro. Allele origin: not applicable. Functional consequence: retained intron. Not counted in ClinVar's aggregate classification.

Dr. Peter K. Rogan Lab, Western University
No classification provided (evidence only). Condition: Glioma susceptibility 1. Review status: no classification provided. Collection method: in vitro. Allele origin: not applicable. Functional consequence: retained intron. Not counted in ClinVar's aggregate classification.

Genomic Research Center, Shahid Beheshti University of Medical Sciences
Classification: Pathogenic for Leukocyte adhesion deficiency type 1. Review status: no assertion criteria provided. Collection method: not provided. Allele origin: inherited. Study: Mutation spectra of the ITGB2 gene in Iranian families with leukocyte adhesion deficiency type 1. Not counted in ClinVar's aggregate classification.
ClinVar note: Converted during submission from pathogenic to Pathogenic.

Literature cited by the submitters: PubMed 1590804 (cited by Labcorp Genetics (formerly Invitae), Labcorp and OMIM); PubMed 25703682 (cited by Labcorp Genetics (formerly Invitae), Labcorp); PubMed 26639818 (cited by Labcorp Genetics (formerly Invitae), Labcorp); PubMed 30919141 (cited by Labcorp Genetics (formerly Invitae), Labcorp).